The following is an entry in ClinVar:

ClinVar aggregate classification (germline): Uncertain significance (1 of 4 stars; one submission).

Conditions:
Myasthenic syndrome, congenital, 22 (CMS22). Also called: PREPL DEFICIENCY. Identifiers: MedGen C4479088, MONDO:0044299, OMIM 616224.

Allele frequency attached by ClinVar (database versions not stated): gnomAD exomes below 0.00001; gnomAD 0.00001.
gnomAD v4.1: 3 of 1,608,290 alleles (0.00019%); highest among the groups gnomAD compares: Admixed American, 0.005%; no homozygotes.

Submission:

Labcorp Genetics (formerly Invitae), Labcorp
Classification: Uncertain significance for Myasthenic syndrome, congenital, 22. Last evaluated: 2023-08-04. Review status: criteria provided, single submitter. Criteria: Invitae Variant Classification Sherloc (09022015). Collection method: clinical testing. Allele origin: germline.
Comment: This sequence change replaces isoleucine, which is neutral and non-polar, with valine, which is neutral and non-polar, at codon 620 of the PREPL protein (p.Ile620Val). This variant is not present in population databases (gnomAD no frequency). This variant has not been reported in the literature in individuals affected with PREPL-related conditions. ClinVar contains an entry for this variant (Variation ID: 953837). Advanced modeling of protein sequence and biophysical properties (such as structural, functional, and spatial information, amino acid conservation, physicochemical variation, residue mobility, and thermodynamic stability) performed at Invitae indicates that this missense variant is not expected to disrupt PREPL protein function. Algorithms developed to predict the effect of sequence changes on RNA splicing suggest that this variant may create or strengthen a splice site. In summary, the available evidence is currently insufficient to determine the role of this variant in disease. Therefore, it has been classified as a Variant of Uncertain Significance.

NM_001171613.2(PREPL):c.1591A>G (p.Ile531Val)

Gene: PREPL (prolyl endopeptidase like; minus strand). Cytogenetic location: 2p21.
Variant type: single nucleotide variant.
Coding change: c.1591A>G on transcript NM_001171613.2 (MANE Select); coding-DNA position 1591, A replaced by G.
Protein change: p.Ile531Val; replaces isoleucine 531 with valine.
Molecular consequence: missense variant.
Genome position (GRCh38, 1-based): chr2:44,323,300, T>C on the plus strand (A>G on the coding strand, the complement: PREPL is on the minus strand). VCF-style: chr2-44323300-T-C. GRCh37 (hg19) VCF-style: chr2-44550439-T-C.
Other names: c.1672A>G, p.Ile558Val (NM_001042385.2); c.1660A>G, p.Ile554Val (NM_001042386.2); c.1858A>G, p.Ile620Val (NM_001171603.1, NM_001171606.2, NM_001374275.1 and 2 more transcripts); c.1591A>G, p.Ile531Val (NM_001171617.1, NM_001374277.1); short protein forms I558V, I620V, I531V, I554V.
Identifiers: ClinVar variation 953837 (VCV000953837.7), dbSNP rs1673166427, ClinGen allele CA346688756.
Genomic context (GRCh38, chr2:44,323,300, plus strand): 5'-TAACACAATTGTCTTTCACTACCTGAGGTTTAATATTTTGATAGGGACAGTAACGTTTTA[T>C]GTAGTTCTTGTGTTTTTCATCAGATGAAGGATTCCCCCATTCTTCTAATTCTTCTAATGT-3'
Protein context (NP_001165084.1, residues 521-541): PSSDEKHKNY[Ile531Val]KRYCPYQNIK